The following is an entry in ClinVar:

ClinVar aggregate classification (germline): Pathogenic (1 of 4 stars; one submission).

Submission:

Labcorp Genetics (formerly Invitae), Labcorp
Classification: Pathogenic. Last evaluated: 2019-09-21. Review status: criteria provided, single submitter. Criteria: Invitae Variant Classification Sherloc (09022015). Collection method: clinical testing. Allele origin: germline.
Comment: A gross deletion of the genomic region encompassing the full coding sequence of the F11 gene has been identified. The boundaries of this event are unknown as the deletion extends beyond the assayed region for this gene and therefore may encompass additional genes. This variant has not been reported in the literature in individuals with F11-related conditions. Loss-of-function variants in F11 are known to be pathogenic (PMID: 23929304). For these reasons, this variant has been classified as Pathogenic.

NC_000004.12:g.(?_186191814)_(186288624_?)del

Genes: CYP4V2 (cytochrome P450 family 4 subfamily V member 2; plus strand), F11 (coagulation factor XI; plus strand), KLKB1 (kallikrein B1; plus strand). Cytogenetic location: 4q35.2.
Variant type: Deletion.
Identifiers: ClinVar variation 831359 (VCV000831359.1).